The following is an entry in ClinVar:

ClinVar aggregate classification (germline): Benign. Review status: criteria provided, multiple submitters, no conflicts (2 of 4 stars). 3 submissions from 3 submitters: Benign (3). Last evaluated 2018-06-23.

Conditions:
Cystic fibrosis (CF). Also called: MUCOVISCIDOSIS. Identifiers: Orphanet 586, MedGen C0010674, MONDO:0009061, OMIM 219700. Disease mechanism: loss of function.

Allele frequency attached by ClinVar (database versions not stated): 1000 Genomes Project 0.02935; gnomAD 0.03680 and 0.03795; TOPMed 0.02926; 1000 Genomes Project 30x 0.03014.
gnomAD v4.1: 26,615 of 836,994 alleles (3.2%); highest among the groups gnomAD compares: African/African-American, 4.7%; 673 homozygotes.

Submissions (3):

GeneDx
Classification: Benign. Last evaluated: 2018-06-23. Review status: criteria provided, single submitter. Criteria: GeneDx Variant Classification Process June 2021. Collection method: clinical testing. Allele origin: germline. Affected: yes.

CFTR-France
Classification: Benign for cystic fibrosis. Last evaluated: 2018-01-29. Review status: criteria provided, single submitter. Criteria: Claustres M et al. (Hum Mutat 2017). Collection method: curation. Allele origin: germline. Affected: yes and no.
Comment: the variant does not result in CFTR-RD neither

Breakthrough Genomics
Classification: Benign. Review status: criteria provided, single submitter. Criteria: ACMG Guidelines, 2015. Collection method: not provided. Allele origin: germline. Inheritance: Autosomal recessive inheritance. Affected: yes.

NM_000492.4(CFTR):c.2909-71G>C

Genes: CFTR (CF transmembrane conductance regulator; plus strand), CFTR-AS2 (CFTR antisense RNA 2; minus strand). Cytogenetic location: 7q31.2.
Variant type: single nucleotide variant.
Coding change: c.2909-71G>C on transcript NM_000492.4 (MANE Select); 71 bases into the intron before coding-DNA position 2909, G replaced by C.
Molecular consequence: intron variant.
Genome position (GRCh38, 1-based): chr7:117,606,603, G>C. VCF-style: chr7-117606603-G-C. GRCh37 (hg19) VCF-style: chr7-117246657-G-C.
Identifiers: ClinVar variation 818090 (VCV000818090.3), dbSNP rs34830471, ClinGen allele CA164962215.